The following is an entry in ClinVar:

NM_006206.6(PDGFRA):c.2918A>T (p.Asp973Val)

Gene: PDGFRA (platelet derived growth factor receptor alpha; plus strand). Cytogenetic location: 4q12.
Variant type: single nucleotide variant.
Coding change: c.2918A>T on transcript NM_006206.6 (MANE Select); coding-DNA position 2918, A replaced by T.
Protein change: p.Asp973Val; replaces aspartic acid 973 with valine.
Molecular consequence: missense variant.
Genome position (GRCh38, 1-based): chr4:54,290,350, A>T. VCF-style: chr4-54290350-A-T. GRCh37 (hg19) VCF-style: chr4-55156517-A-T.
Other names: c.2993A>T, p.Asp998Val (NM_001347828.2); c.2918A>T, p.Asp973Val (NM_001347829.2); c.2957A>T, p.Asp986Val (NM_001347830.2); short protein forms D998V, D986V, D973V.
Identifiers: ClinVar variation 5026442 (VCV005026442.1).

ClinVar aggregate classification (germline): Uncertain significance (1 of 4 stars; one submission).

Conditions:
Hereditary cancer-predisposing syndrome. Also called: Neoplastic Syndromes, Hereditary; Tumor predisposition; Hereditary neoplastic syndrome; Hereditary Cancer Syndrome. Identifiers: Orphanet 140162, MedGen C0027672, MeSH D009386, MONDO:0015356.

Submission:

Ambry Genetics
Classification: Uncertain significance for Hereditary cancer-predisposing syndrome. Last evaluated: 2026-07-19. Review status: criteria provided, single submitter. Criteria: Ambry Variant Classification Scheme 2023. Collection method: clinical testing. Allele origin: germline.
Comment: The p.D973V variant (also known as c.2918A>T), located in coding exon 21 of the PDGFRA gene, results from an A to T substitution at nucleotide position 2918. The aspartic acid at codon 973 is replaced by valine, an amino acid with highly dissimilar properties. This amino acid position is conserved. In addition, this alteration is predicted to be deleterious by in silico analysis. Based on the available evidence, the clinical significance of this variant remains unclear.